The following is an entry in ClinVar:

ClinVar aggregate classification (germline): Uncertain significance (1 of 4 stars; one submission).

Allele frequency attached by ClinVar (database versions not stated): gnomAD exomes below 0.00001; ExAC 0.00003; gnomAD 0.00007; TOPMed 0.00007; 1000 Genomes Project 0.00020; 1000 Genomes Project 30x 0.00031.
gnomAD v4.1: 15 of 1,613,390 alleles (0.00093%); highest among the groups gnomAD compares: African/African-American, 0.019%; no homozygotes.

Submission:

GeneDx
Classification: Uncertain significance. Last evaluated: 2024-05-14. Review status: criteria provided, single submitter. Criteria: GeneDx Variant Classification Process June 2021. Collection method: clinical testing. Allele origin: germline. Affected: yes.
Comment: In silico analysis indicates that this missense variant does not alter protein structure/function; Has not been previously published as pathogenic or benign to our knowledge

NM_003922.4(HERC1):c.4984A>G (p.Ser1662Gly)

Gene: HERC1 (HECT and RLD domain containing E3 ubiquitin protein ligase family member 1; minus strand). Cytogenetic location: 15q22.31.
Variant type: single nucleotide variant.
Coding change: c.4984A>G on transcript NM_003922.4 (MANE Select); coding-DNA position 4984, A replaced by G.
Protein change: p.Ser1662Gly; replaces serine 1662 with glycine.
Molecular consequence: missense variant.
Genome position (GRCh38, 1-based): chr15:63,696,261, T>C on the plus strand (A>G on the coding strand, the complement: HERC1 is on the minus strand). VCF-style: chr15-63696261-T-C. GRCh37 (hg19) VCF-style: chr15-63988460-T-C.
Other names: short protein forms S1662G.
Identifiers: ClinVar variation 2443455 (VCV002443455.2), dbSNP rs200079504, ClinGen allele CA7605662.